The following is an entry in ClinVar:

NM_005932.4(MIPEP):c.684G>A (p.Lys228=)

Gene: MIPEP (mitochondrial intermediate peptidase; minus strand). Cytogenetic location: 13q12.12.
Variant type: single nucleotide variant.
Coding change: c.684G>A on transcript NM_005932.4 (MANE Select); coding-DNA position 684, G replaced by A.
Protein change: p.Lys228=; no amino-acid change (lysine 228 retained).
Molecular consequence: synonymous variant.
Genome position (GRCh38, 1-based): chr13:23,870,115, C>T on the plus strand (G>A on the coding strand, the complement: MIPEP is on the minus strand). VCF-style: chr13-23870115-C-T. GRCh37 (hg19) VCF-style: chr13-24444254-C-T.
Other names: c.684G>A (NM_005932.3).
Identifiers: ClinVar variation 2170188 (VCV002170188.7), dbSNP rs112876432, ClinGen allele CA6913228.

ClinVar aggregate classification (germline): Likely benign. Review status: criteria provided, multiple submitters, no conflicts (2 of 4 stars). 3 submissions from 3 submitters: Likely benign (2). 1 of the submissions does not count toward it. Last evaluated 2025-10-01.

Conditions:
MIPEP-related disorder. Also called: MIPEP-related condition.

Allele frequency attached by ClinVar (database versions not stated): gnomAD exomes 0.00003; ExAC 0.00004; TOPMed 0.00023; gnomAD 0.00025; ESP Exome Variant Server 0.00031.
gnomAD v4.1: 103 of 1,612,558 alleles (0.0064%); highest among the groups gnomAD compares: African/African-American, 0.093%; no homozygotes.

Submissions (3):

Labcorp Genetics (formerly Invitae), Labcorp
Classification: Likely benign. Last evaluated: 2025-10-01. Review status: criteria provided, single submitter. Criteria: Invitae Variant Classification Sherloc (09022015). Collection method: clinical testing. Allele origin: germline.

Blueprint Genetics
Classification: Likely benign. Last evaluated: 2023-12-14. Review status: criteria provided, single submitter. Criteria: ACMG Guidelines, 2015. Collection method: clinical testing. Allele origin: germline.

PreventionGenetics, part of Exact Sciences
Classification: Likely benign for MIPEP-related condition. Last evaluated: 2019-10-16. Review status: no assertion criteria provided. Collection method: clinical testing. Allele origin: germline. Not counted in ClinVar's aggregate classification.
Comment: This variant is classified as likely benign based on ACMG/AMP sequence variant interpretation guidelines (Richards et al. 2015 PMID: 25741868, with internal and published modifications).